The following is an entry in ClinVar:

NM_000018.4(ACADVL):c.1664A>G (p.Lys555Arg)

Gene: ACADVL (acyl-CoA dehydrogenase very long chain; plus strand). Cytogenetic location: 17p13.1.
Variant type: single nucleotide variant.
Coding change: c.1664A>G on transcript NM_000018.4 (MANE Select); coding-DNA position 1664, A replaced by G.
Protein change: p.Lys555Arg; replaces lysine 555 with arginine.
Molecular consequence: missense variant.
Genome position (GRCh38, 1-based): chr17:7,224,538, A>G. VCF-style: chr17-7224538-A-G. GRCh37 (hg19) VCF-style: chr17-7127857-A-G.
Other names: c.1598A>G, p.Lys533Arg (NM_001033859.3); c.1733A>G, p.Lys578Arg (NM_001270447.2); c.1436A>G, p.Lys479Arg (NM_001270448.2); short protein forms K479R, K533R, K578R, K555R.
Identifiers: ClinVar variation 960315 (VCV000960315.6), dbSNP rs1231882461, ClinGen allele CA397725598.
Genomic context (GRCh38, chr17:7,224,538, plus strand): 5'-AGGCAGTACGGGCTCTGGAGCAGTTTGCCACTGTGGTGGAGGCCAAGCTGATAAAACACA[A>G]GAAGGGGATTGTCAGTAAGTGAGCTCTACACCATTCCGCCCCTCCCTTTCCTCTCCTTGA-3'
Protein context (NP_000009.1, residues 545-565): TVVEAKLIKH[Lys555Arg]KGIVNEQFLL

ClinVar aggregate classification (germline): Uncertain significance (1 of 4 stars; one submission).

Conditions:
Very long chain acyl-CoA dehydrogenase deficiency (ACADVLD). Also called: Very Long-Chain Acyl-Coenzyme A Dehydrogenase Deficiency; VLCAD Deficiency. Identifiers: Orphanet 26793, MedGen C3887523, MONDO:0008723, OMIM 201475.

Allele frequency attached by ClinVar (database versions not stated): gnomAD exomes below 0.00001 and 0.00001; TOPMed below 0.00001; gnomAD 0.00001.
gnomAD v4.1: 10 of 1,601,020 alleles (0.00062%); highest among the groups gnomAD compares: Non-Finnish European, 0.00085%; no homozygotes.

Submission:

Labcorp Genetics (formerly Invitae), Labcorp
Classification: Uncertain significance for Very long chain acyl-CoA dehydrogenase deficiency. Last evaluated: 2021-08-26. Review status: criteria provided, single submitter. Criteria: Invitae Variant Classification Sherloc (09022015). Collection method: clinical testing. Allele origin: germline.
Comment: This sequence change replaces lysine with arginine at codon 555 of the ACADVL protein (p.Lys555Arg). The lysine residue is moderately conserved and there is a small physicochemical difference between lysine and arginine. This variant is not present in population databases (ExAC no frequency). This variant has not been reported in the literature in individuals affected with ACADVL-related conditions. Algorithms developed to predict the effect of missense changes on protein structure and function (SIFT, PolyPhen-2, Align-GVGD) all suggest that this variant is likely to be tolerated. In summary, the available evidence is currently insufficient to determine the role of this variant in disease. Therefore, it has been classified as a Variant of Uncertain Significance.